The following is an entry in ClinVar:

NM_001205293.3(CACNA1E):c.5762T>G (p.Leu1921Arg)

Gene: CACNA1E (calcium voltage-gated channel subunit alpha1 E; plus strand). Cytogenetic location: 1q25.3.
Variant type: single nucleotide variant.
Coding change: c.5762T>G on transcript NM_001205293.3 (MANE Select); coding-DNA position 5762, T replaced by G.
Protein change: p.Leu1921Arg; replaces leucine 1921 with arginine.
Molecular consequence: missense variant.
Genome position (GRCh38, 1-based): chr1:181,785,795, T>G. VCF-style: chr1-181785795-T-G. GRCh37 (hg19) VCF-style: chr1-181754931-T-G.
Other names: c.5762T>G, p.Leu1921Arg (NM_000721.4); c.5705T>G, p.Leu1902Arg (NM_001205294.2); short protein forms L1902R, L1921R.
Identifiers: ClinVar variation 1683886 (VCV001683886.7), dbSNP rs770750685, ClinGen allele CA343631809.

ClinVar aggregate classification (germline): Conflicting classifications of pathogenicity. Review status: criteria provided, conflicting classifications (1 of 4 stars). 2 submissions from 2 submitters: Uncertain significance (1); Benign (1). Last evaluated 2025-01-06.

Allele frequency attached by ClinVar (database versions not stated): TOPMed below 0.00001.
gnomAD v4.1: 12 of 1,610,404 alleles (0.00075%); highest among the groups gnomAD compares: Non-Finnish European, 0.001%; no homozygotes.

Submissions (2):

Labcorp Genetics (formerly Invitae), Labcorp
Classification: Benign. Last evaluated: 2025-01-06. Review status: criteria provided, single submitter. Criteria: Invitae Variant Classification Sherloc (09022015). Collection method: clinical testing. Allele origin: germline.

GeneDx
Classification: Uncertain significance. Last evaluated: 2021-10-29. Review status: criteria provided, single submitter. Criteria: GeneDx Variant Classification Process June 2021. Collection method: clinical testing. Allele origin: germline. Affected: yes.
Comment: In silico analysis supports that this missense variant has a deleterious effect on protein structure/function; Has not been previously published as pathogenic or benign to our knowledge